The following is an entry in ClinVar:

ClinVar aggregate classification (germline): Uncertain significance (1 of 4 stars; one submission).

Conditions:
Nemaline myopathy 6 (NEM6). Also called: Nemaline myopathy 6, autosomal dominant. Identifiers: Orphanet 171439, MedGen C1836472, MONDO:0012237, OMIM 609273.

Submission:

Labcorp Genetics (formerly Invitae), Labcorp
Classification: Uncertain significance for Nemaline myopathy 6. Last evaluated: 2022-07-12. Review status: criteria provided, single submitter. Criteria: Invitae Variant Classification Sherloc (09022015). Collection method: clinical testing. Allele origin: germline.
Comment: In summary, the available evidence is currently insufficient to determine the role of this variant in disease. Therefore, it has been classified as a Variant of Uncertain Significance. Experimental studies and prediction algorithms are not available or were not evaluated, and the functional significance of this variant is currently unknown. ClinVar contains an entry for this variant (Variation ID: 933519). This variant has not been reported in the literature in individuals affected with KBTBD13-related conditions. Information on the frequency of this variant in the gnomAD database is not available, as this variant may be reported differently in the database. This sequence change replaces proline, which is neutral and non-polar, with serine, which is neutral and polar, at codon 314 of the KBTBD13 protein (p.Pro314Ser).

NM_001101362.3(KBTBD13):c.939_940delinsAT (p.Pro314Ser)

Gene: KBTBD13 (kelch repeat and BTB domain containing 13; plus strand). Cytogenetic location: 15q22.31.
Variant type: Indel.
Coding change: c.939_940delinsAT on transcript NM_001101362.3 (MANE Select); coding-DNA positions 939 to 940, GC replaced by AT.
Protein change: p.Pro314Ser; replaces proline 314 with serine.
Molecular consequence: missense variant.
Genome position (GRCh38, 1-based): chr15:65,077,754-65,077,755, GC replaced by AT. VCF-style: chr15-65077754-GC-AT. GRCh37 (hg19) VCF-style: chr15-65370092-GC-AT.
Other names: short protein forms P314S.
Identifiers: ClinVar variation 933519 (VCV000933519.9), dbSNP rs2086999390, ClinGen allele CA1139664034.